The following is an entry in ClinVar:

NM_020549.5(CHAT):c.1539_1542del (p.Tyr514fs)

Gene: CHAT (choline O-acetyltransferase; plus strand). Cytogenetic location: 10q11.23.
Variant type: Deletion.
Coding change: c.1539_1542del on transcript NM_020549.5 (MANE Select); coding-DNA positions 1539 to 1542, 4 bases deleted (CTAT; older notation c.1539_1542delCTAT).
Protein change: p.Tyr514fs; shifts the reading frame from tyrosine 514.
Molecular consequence: frameshift variant.
Genome position (GRCh38, 1-based): chr10:49,651,911-49,651,914, CTAT deleted; deleting any 4 consecutive bases within chr10:49,651,910-49,651,914 gives the same sequence; the c. name uses the placement nearest the transcript's 3' end. VCF-style (leftmost placement, unchanged base first): chr10-49651909-GTCTA-G. GRCh37 (hg19) VCF-style: chr10-50859955-GTCTA-G.
Other names: c.1185_1188del, p.Tyr396fs (NM_001142929.2, NM_001142934.2, NM_020984.4 and 2 more transcripts); c.1293_1296del, p.Tyr432fs (NM_001142933.2); short protein forms Y396fs, Y514fs, Y432fs.
Identifiers: ClinVar variation 2840480 (VCV002840480.3), dbSNP rs2538870734, ClinGen allele CA2574545542.
Genomic context (GRCh38, chr10:49,651,909, plus strand): 5'-ATGCAATAAAAACATCTTTTCTTTTTCTTCCTCAGAATAGTAAAGAACCTTGACTTCATT[GTCTA>G]TAAGTTTGACAACTATGGGAAAACATTCATTAAGAAGCAGAAATGCAGCCCTGATGCCTT-3'

ClinVar aggregate classification (germline): Pathogenic (1 of 4 stars; one submission).

Conditions:
Familial infantile myasthenia (CMS6). Also called: Congenital myasthenic syndrome type 6; MYASTHENIC SYNDROME, CONGENITAL, 6, PRESYNAPTIC; MYASTHENIC SYNDROME, PRESYNAPTIC, CONGENITAL, ASSOCIATED WITH EPISODIC APNEA. Identifiers: Orphanet 590, MedGen C0393929, MONDO:0009689, OMIM 254210.

Submission:

Labcorp Genetics (formerly Invitae), Labcorp
Classification: Pathogenic for Familial infantile myasthenia. Last evaluated: 2023-02-24. Review status: criteria provided, single submitter. Criteria: Invitae Variant Classification Sherloc (09022015). Collection method: clinical testing. Allele origin: germline.
Comment: This variant has not been reported in the literature in individuals affected with CHAT-related conditions. For these reasons, this variant has been classified as Pathogenic. This variant is not present in population databases (gnomAD no frequency). This sequence change creates a premature translational stop signal (p.Tyr514Serfs*67) in the CHAT gene. It is expected to result in an absent or disrupted protein product. Loss-of-function variants in CHAT are known to be pathogenic (PMID: 12548525, 21786365, 23292760).

Literature cited by the submitters: PubMed 12548525; PubMed 21786365; PubMed 23292760.